The following is an entry in ClinVar:

NM_001371533.1(FUT8):c.1183C>T (p.Arg395Cys)

Gene: FUT8 (fucosyltransferase 8; plus strand). Cytogenetic location: 14q23.3.
Variant type: single nucleotide variant.
Coding change: c.1183C>T on transcript NM_001371533.1 (MANE Select); coding-DNA position 1183, C replaced by T.
Protein change: p.Arg395Cys; replaces arginine 395 with cysteine.
Molecular consequence: missense variant.
Genome position (GRCh38, 1-based): chr14:65,724,247, C>T. VCF-style: chr14-65724247-C-T. GRCh37 (hg19) VCF-style: chr14-66190965-C-T.
Other names: c.1183C>T, p.Arg395Cys (NM_001371534.1, NM_178155.3, NM_178156.2); c.1285C>T, p.Arg429Cys (NM_001371536.1); c.694C>T, p.Arg232Cys (NM_004480.4); short protein forms R232C, R395C, R429C.
Identifiers: ClinVar variation 3097534 (VCV003097534.3), dbSNP rs142736261, ClinGen allele CA7233396.
Genomic context (GRCh38, chr14:65,724,247, plus strand): 5'-GCCTTCCATCCCATTGAAGAGTACATGGTGCATGTTGAAGAACATTTTCAGCTTCTTGCA[C>T]GCAGAATGCAAGTGGACAAAAAAAGAGTGTATTTGGCCACAGATGACCCTTCTTTATTAA-3'
Protein context (NP_001358462.1, residues 385-405): HVEEHFQLLA[Arg395Cys]RMQVDKKRVY

ClinVar aggregate classification (germline): Uncertain significance. Review status: criteria provided, multiple submitters, no conflicts (2 of 4 stars). 2 submissions from 2 submitters: Uncertain significance (2). Last evaluated 2026-03-19.

Conditions:
Inborn genetic diseases. Identifiers: MedGen C0950123, MeSH D030342.

Allele frequency attached by ClinVar (database versions not stated): ExAC 0.00002; gnomAD exomes 0.00004; gnomAD 0.00006; ESP Exome Variant Server 0.00008; 1000 Genomes Project 30x 0.00016; 1000 Genomes Project 0.00020.
gnomAD v4.1: 71 of 1,613,200 alleles (0.0044%); highest among the groups gnomAD compares: Middle Eastern, 0.15%; no homozygotes.

Submissions (2):

Ambry Genetics
Classification: Uncertain significance for Inborn genetic diseases. Last evaluated: 2026-03-19. Review status: criteria provided, single submitter. Criteria: Ambry Variant Classification Scheme 2023. Collection method: clinical testing. Allele origin: germline.
Comment: The c.1183C>T (p.R395C) alteration is located in exon 9 (coding exon 7) of the FUT8 gene. This alteration results from a C to T substitution at nucleotide position 1183, causing the arginine (R) at amino acid position 395 to be replaced by a cysteine (C). Based on data from gnomAD, the T allele has an overall frequency of 0.004% (9/250786) total alleles studied. The highest observed frequency was 0.033% (2/6118) of Other alleles. Based on insufficient or conflicting evidence, the clinical significance of this alteration remains unclear.

Blueprint Genetics
Classification: Uncertain significance. Last evaluated: 2024-11-25. Review status: criteria provided, single submitter. Criteria: ACMG Guidelines, 2015. Collection method: clinical testing. Allele origin: germline.